The following is an entry in ClinVar:

ClinVar aggregate classification (germline): Pathogenic (1 of 4 stars; one submission).

Conditions:
Disseminated atypical mycobacterial infection. Identifiers: MedGen C0694566.

Submission:

Labcorp Genetics (formerly Invitae), Labcorp
Classification: Pathogenic for Disseminated atypical mycobacterial infection. Last evaluated: 2024-10-22. Review status: criteria provided, single submitter. Criteria: Invitae Variant Classification Sherloc (09022015). Collection method: clinical testing. Allele origin: germline.
Comment: This sequence change creates a premature translational stop signal (p.Ser262Alafs*15) in the IFNGR1 gene. While this is not anticipated to result in nonsense mediated decay, it is expected to disrupt the last 228 amino acid(s) of the IFNGR1 protein. This variant is not present in population databases (gnomAD no frequency). This variant has not been reported in the literature in individuals affected with IFNGR1-related conditions. ClinVar contains an entry for this variant (Variation ID: 1454131). Algorithms developed to predict the effect of sequence changes on RNA splicing suggest that this variant may disrupt the consensus splice site. This variant is located in a region of the IFNGR1 protein where a significant number of IFNGR1 nonsense and frameshift mutations have been reported in association with autosomal dominant mendelian susceptibility to mycobacterial disease (PMID: 17513528, 10192386). For these reasons, this variant has been classified as Pathogenic.

Literature cited by the submitters: PubMed 17513528; PubMed 10192386.

NM_000416.3(IFNGR1):c.781del (p.Ser262fs)

Gene: IFNGR1 (interferon gamma receptor 1; minus strand). Cytogenetic location: 6q23.3.
Variant type: Deletion.
Coding change: c.781del on transcript NM_000416.3 (MANE Select); coding-DNA position 781, one base deleted (C; older notation c.781delC).
Protein change: p.Ser262fs; shifts the reading frame from serine 262.
Molecular consequence: frameshift variant.
Genome position (GRCh38, 1-based): chr6:137,200,961, G deleted on the plus strand (C on the coding strand, the reverse complement: IFNGR1 is on the minus strand). VCF-style (leftmost placement, unchanged base first): chr6-137200960-AG-A. GRCh37 (hg19) VCF-style: chr6-137522097-AG-A.
Other names: c.751del, p.Ser252fs (NM_001363526.1); c.658del, p.Ser221fs (NM_001363527.1); short protein forms S221fs, S262fs, S252fs.
Identifiers: ClinVar variation 1454131 (VCV001454131.8), dbSNP rs2114462360, ClinGen allele CA2573140593.
Genomic context (GRCh38, chr6:137,200,960, plus strand): 5'-ATGCTTTTTTCCTTCAATGGATTAATTTTCTTAATATAAAAACAGATGAATACCAGGCTA[AG>A]CACTAGAAAGAGTAGTAAAGCAGCAACAACTGGAATCCAAAGAGAACCTTAAAAAAGGCA-3'